The following is an entry in ClinVar:

ClinVar aggregate classification (germline): Uncertain significance. Review status: criteria provided, multiple submitters, no conflicts (2 of 4 stars). 2 submissions from 2 submitters: Uncertain significance (2). Last evaluated 2025-07-25.

Conditions:
Inborn genetic diseases. Identifiers: MedGen C0950123, MeSH D030342.
Acute myeloid leukemia (AML). Also called: Leukemia, acute myeloid, somatic; Leukemia, acute myelogenous, somatic; Acute myeloid leukemia, adult; AML adult; Acute non-lymphocytic leukemia; Acute granulocytic leukemia. Identifiers: Orphanet 519, MedGen C0023467, MeSH D015470, MONDO:0018874, OMIM 601626, HP:0004808. Disease mechanism: Constitutively activated FLT3.

Submissions (2):

Ambry Genetics
Classification: Uncertain significance for Inborn genetic diseases. Last evaluated: 2025-07-25. Review status: criteria provided, single submitter. Criteria: Ambry Variant Classification Scheme 2023. Collection method: clinical testing. Allele origin: germline.
Comment: The p.P185L variant (also known as c.554C>T), located in coding exon 1 of the CEBPA gene, results from a C to T substitution at nucleotide position 554. The proline at codon 185 is replaced by leucine, an amino acid with similar properties. This amino acid position is conserved. In addition, this alteration is predicted to be tolerated by in silico analysis. Based on the available evidence, the clinical significance of this variant remains unclear.

Labcorp Genetics (formerly Invitae), Labcorp
Classification: Uncertain significance for Acute myeloid leukemia. Last evaluated: 2021-09-17. Review status: criteria provided, single submitter. Criteria: Invitae Variant Classification Sherloc (09022015). Collection method: clinical testing. Allele origin: germline.
Comment: This sequence change replaces proline with leucine at codon 185 of the CEBPA protein (p.Pro185Leu). The proline residue is weakly conserved and there is a moderate physicochemical difference between proline and leucine. The frequency data for this variant in the population databases is considered unreliable, as metrics indicate insufficient coverage at this position in the ExAC database. This variant has not been reported in the literature in individuals affected with CEBPA-related conditions. Algorithms developed to predict the effect of missense changes on protein structure and function (SIFT, PolyPhen-2, Align-GVGD) all suggest that this variant is likely to be tolerated. In summary, the available evidence is currently insufficient to determine the role of this variant in disease. Therefore, it has been classified as a Variant of Uncertain Significance.

NM_004364.5(CEBPA):c.554C>T (p.Pro185Leu)

Gene: CEBPA (CCAAT enhancer binding protein alpha; minus strand). Cytogenetic location: 19q13.11.
Variant type: single nucleotide variant.
Coding change: c.554C>T on transcript NM_004364.5 (MANE Select); coding-DNA position 554, C replaced by T.
Protein change: p.Pro185Leu; replaces proline 185 with leucine.
Molecular consequence: missense variant.
Genome position (GRCh38, 1-based): chr19:33,301,861, G>A on the plus strand (C>T on the coding strand, the complement: CEBPA is on the minus strand). VCF-style: chr19-33301861-G-A. GRCh37 (hg19) VCF-style: chr19-33792767-G-A.
Other names: c.659C>T, p.Pro220Leu (NM_001287424.2); c.512C>T, p.Pro171Leu (NM_001287435.2); c.197C>T, p.Pro66Leu (NM_001285829.2); c.554C>T (NM_004364.3); short protein forms P171L, P66L, P185L, P220L.
Identifiers: ClinVar variation 1392558 (VCV001392558.7), dbSNP rs2145261468, ClinGen allele CA405274704.
Genomic context (GRCh38, chr19:33,301,861, plus strand): 5'-TGCGGGGCGGCCAGGTGCGCGGGCGGCGGGTGCGGGTGCGGGTGCGAGGGCGGCGGCGGC[G>A]GCGGCGGCTGGTAAGGGAAGAGGCCGGCCAGCGCCAGCTGCTTGGCTTCATCCTCCTCGC-3'
Protein context (NP_004355.2, residues 175-195): LAGLFPYQPP[Pro185Leu]PPPPSHPHPH